The following is an entry in ClinVar:

NM_139321.3(ATRN):c.984T>A (p.Phe328Leu)

Gene: ATRN (attractin; plus strand). Cytogenetic location: 20p13.
Variant type: single nucleotide variant.
Coding change: c.984T>A on transcript NM_139321.3 (MANE Select); coding-DNA position 984, T replaced by A.
Protein change: p.Phe328Leu; replaces phenylalanine 328 with leucine.
Molecular consequence: missense variant.
Genome position (GRCh38, 1-based): chr20:3,549,210, T>A. VCF-style: chr20-3549210-T-A. GRCh37 (hg19) VCF-style: chr20-3529857-T-A.
Other names: c.636T>A, p.Phe212Leu (NM_001207047.3); c.984T>A, p.Phe328Leu (NM_001323332.2, NM_139322.4); short protein forms F212L, F328L.
Identifiers: ClinVar variation 4736339 (VCV004736339.1).

ClinVar aggregate classification (germline): Uncertain significance (1 of 4 stars; one submission).

Submission:

Labcorp Genetics (formerly Invitae), Labcorp
Classification: Uncertain significance. Last evaluated: 2026-02-01. Review status: criteria provided, single submitter. Criteria: Invitae Variant Classification Sherloc (09022015). Collection method: clinical testing. Allele origin: germline.
Comment: This sequence change replaces phenylalanine, which is neutral and non-polar, with leucine, which is neutral and non-polar, at codon 328 of the ATRN protein (p.Phe328Leu). This variant is not present in population databases (gnomAD no frequency). This variant has not been reported in the literature in individuals affected with ATRN-related conditions. An algorithm developed to predict the effect of missense changes on protein structure and function (PolyPhen-2) suggests that this variant is likely to be tolerated. In summary, the available evidence is currently insufficient to determine the role of this variant in disease. Therefore, it has been classified as a Variant of Uncertain Significance.